The following is an entry in ClinVar:

NM_001848.3(COL6A1):c.2304G>C (p.Gln768His)

Gene: COL6A1 (collagen type VI alpha 1 chain; plus strand). Cytogenetic location: 21q22.3.
Variant type: single nucleotide variant.
Coding change: c.2304G>C on transcript NM_001848.3 (MANE Select); coding-DNA position 2304, G replaced by C.
Protein change: p.Gln768His; replaces glutamine 768 with histidine.
Molecular consequence: missense variant.
Genome position (GRCh38, 1-based): chr21:46,002,580, G>C. VCF-style: chr21-46002580-G-C. GRCh37 (hg19) VCF-style: chr21-47422494-G-C.
Identifiers: ClinVar variation 93851 (VCV000093851.23), dbSNP rs376567898, ClinGen allele CA221770.
Genomic context (GRCh38, chr21:46,002,580, plus strand): 5'-CCCACAGGTGGTCTCCGTGGGCATCAAAGACGTGTTTGACTTCATCCCAGGCTCAGACCA[G>C]CTCAATGTCATTTCTTGCCAAGGCCTGGCACCATCCCAGGGCCGGCCCGGCCTCTCGCTG-3'
Protein context (NP_001839.2, residues 758-778): DVFDFIPGSD[Gln768His]LNVISCQGLA

ClinVar aggregate classification (germline): Conflicting classifications of pathogenicity. Review status: criteria provided, conflicting classifications (1 of 4 stars). 6 submissions from 6 submitters: Uncertain significance (4); Benign (1); Likely benign (1). Last evaluated 2026-03-02.

Conditions:
Collagen 6-related myopathy. Identifiers: MedGen CN117976, MONDO:0100225.
Bethlem myopathy 1A. Also called: Bethlem myopathy 1; Bethlem Muscular Dystrophy; MYOPATHY, BENIGN CONGENITAL, WITH CONTRACTURES. Identifiers: Orphanet 610, MedGen CN029274, MONDO:0024530, OMIM 158810.

Allele frequency attached by ClinVar (database versions not stated): TOPMed 0.00012; gnomAD 0.00009 and 0.00010; ExAC 0.00013; gnomAD exomes 0.00020 and 0.00011; ESP Exome Variant Server 0.00008.
gnomAD v4.1: 202 of 1,614,048 alleles (0.013%); highest among the groups gnomAD compares: Admixed American, 0.005%; no homozygotes.

Submissions (6):

Women's Health and Genetics/Laboratory Corporation of America, LabCorp
Classification: Uncertain significance. Last evaluated: 2026-03-02. Review status: criteria provided, single submitter. Criteria: LabCorp Variant Classification Summary - May 2015. Collection method: clinical testing. Allele origin: germline.
Comment: Variant summary: COL6A1 c.2304G>C (p.Gln768His) results in a non-conservative amino acid change in the encoded protein sequence. Algorithms developed to predict the effect of missense changes on protein structure and function are either unavailable or do not agree on the potential impact of this missense change. The variant allele was found at a frequency of 0.0002 in 251362 control chromosomes. This frequency is not significantly higher than estimated for disease-causing variants in COL6A1, allowing no conclusion about variant significance. c.2304G>C has been observed in individuals affected with Limb-girdle muscular dystrophies or Down-syndrome-associated atrioventricular septal defects without strong evidence for causality (Ackerman_2012, Nallamilli_2018). These report(s) do not provide unequivocal conclusions about association of the variant with Ullrich congenital muscular dystrophy 1. To our knowledge, no experimental evidence demonstrating an impact on protein function has been reported. The following publications have been ascertained in the context of this evaluation (PMID: 23040494, 30564623). ClinVar contains an entry for this variant (Variation ID: 93851). Based on the evidence outlined above, the variant was classified as uncertain significance.

Labcorp Genetics (formerly Invitae), Labcorp
Classification: Likely benign for Bethlem myopathy 1A. Last evaluated: 2026-01-31. Review status: criteria provided, single submitter. Criteria: Invitae Variant Classification Sherloc (09022015). Collection method: clinical testing. Allele origin: germline.

GeneDx
Classification: Uncertain significance. Last evaluated: 2022-07-19. Review status: criteria provided, single submitter. Criteria: GeneDx Variant Classification Process June 2021. Collection method: clinical testing. Allele origin: germline. Affected: yes.
Comment: Reported in an individual with Down syndrome and atrioventricular septal defect (Ackerman et al., 2012); Reported in heterozygous state in an individual with clinically suspected limb-girdle muscular dystrophy, however segregation and detailed clinical information was not provided (Nallamilli et al., 2018); In silico analysis supports that this missense variant has a deleterious effect on protein structure/function; This variant is associated with the following publications: (PMID: 30564623, 23040494)

Revvity Omics, Revvity
Classification: Uncertain significance. Last evaluated: 2019-08-05. Review status: criteria provided, single submitter. Criteria: ACMG Guidelines, 2015. Collection method: clinical testing. Allele origin: germline.

Eurofins Ntd Llc (ga)
Classification: Uncertain significance. Last evaluated: 2017-08-31. Review status: criteria provided, single submitter. Criteria: EGL Classification Definitions 2015. Collection method: clinical testing. Allele origin: germline. Observed: 6 variant alleles, 6 heterozygotes.

Illumina Laboratory Services, Illumina
Classification: Benign for Collagen VI-related myopathy. Last evaluated: 2017-05-08. Review status: criteria provided, single submitter. Criteria: ICSL Variant Classification Criteria 13 December 2019. Collection method: clinical testing. Allele origin: germline.
Comment: This variant was observed as part of a predisposition screen in an ostensibly healthy population. A literature search was performed for the gene, cDNA change, and amino acid change (where applicable). Publications were found based on this search. The evidence from the literature, in combination with allele frequency data from public databases where available, was sufficient to rule this variant out of causing disease. Therefore, this variant is classified as benign.

Literature cited by the submitters: PubMed 30564623 (cited by Women's Health and Genetics/Laboratory Corporation of America, LabCorp); PubMed 23040494 (cited by Women's Health and Genetics/Laboratory Corporation of America, LabCorp and Illumina Laboratory Services, Illumina).